The following is an entry in ClinVar:

ClinVar aggregate classification (germline): Conflicting classifications of pathogenicity. Review status: criteria provided, conflicting classifications (1 of 4 stars). 4 submissions from 4 submitters: Uncertain significance (3); Likely benign (1). Last evaluated 2026-01-11.

Conditions:
Cardiovascular phenotype. Identifiers: MedGen CN230736.
Cardiomyopathy (CMYO). Also called: Cardiomyopathies. Identifiers: Orphanet 167848, MedGen C0878544, MONDO:0004994, HP:0001638. Inheritance: Various modes of inheritance.
Lethal congenital glycogen storage disease of heart. Also called: PHOSPHORYLASE KINASE DEFICIENCY OF HEART; GLYCOGEN STORAGE DISEASE OF HEART. Identifiers: Orphanet 439854, MedGen C1849813, MONDO:0009867, OMIM 261740.
Hypertrophic cardiomyopathy. Also called: HYPERTROPHIC MYOCARDIOPATHY. Identifiers: Orphanet 217569, MedGen C0007194, MeSH D002312, MONDO:0005045, HP:0001639.

Allele frequency attached by ClinVar (database versions not stated): ExAC 0.00001; gnomAD exomes 0.00001 and 0.00002.
gnomAD v4.1: 6 of 1,614,164 alleles (0.00037%); highest among the groups gnomAD compares: Admixed American, 0.0083%; no homozygotes.

Submissions (4):

Labcorp Genetics (formerly Invitae), Labcorp
Classification: Likely benign for Lethal congenital glycogen storage disease of heart. Last evaluated: 2026-01-11. Review status: criteria provided, single submitter. Criteria: Invitae Variant Classification Sherloc (09022015). Collection method: clinical testing. Allele origin: germline.

Ambry Genetics
Classification: Uncertain significance for Cardiovascular phenotype. Last evaluated: 2024-10-29. Review status: criteria provided, single submitter. Criteria: Ambry Variant Classification Scheme 2023. Collection method: clinical testing. Allele origin: germline.

Color Diagnostics, LLC DBA Color Health
Classification: Uncertain significance for Cardiomyopathy. Last evaluated: 2024-03-07. Review status: criteria provided, single submitter. Criteria: ACMG Guidelines, 2015. Collection method: clinical testing. Allele origin: germline.
Comment: This missense variant replaces arginine with serine at codon 214 of the PRKAG2 protein. Computational prediction suggests that this variant may not impact protein structure and function (internally defined REVEL score threshold <= 0.5, PMID: 27666373). To our knowledge, functional studies have not been reported for this variant. This variant has not been reported in individuals affected with cardiovascular disorders in the literature. This variant has been identified in 4/251248 chromosomes in the general population by the Genome Aggregation Database (gnomAD). The available evidence is insufficient to determine the role of this variant in disease conclusively. Therefore, this variant is classified as a Variant of Uncertain Significance.

All of Us Research Program, National Institutes of Health
Classification: Uncertain significance for Hypertrophic cardiomyopathy. Last evaluated: 2024-02-22. Review status: criteria provided, single submitter. Criteria: ACMG Guidelines, 2015. Collection method: clinical testing. Allele origin: germline. Inheritance: Autosomal dominant inheritance. Observed: 2 variant alleles, 2 heterozygotes.
Comment: This missense variant replaces arginine with serine at codon 214 of the PRKAG2 protein. Computational prediction suggests that this variant may not impact protein structure and function (internally defined REVEL score threshold <= 0.5, PMID: 27666373). To our knowledge, functional studies have not been reported for this variant. This variant has not been reported in individuals affected with cardiovascular disorders in the literature. This variant has been identified in 4/251248 chromosomes in the general population by the Genome Aggregation Database (gnomAD). The available evidence is insufficient to determine the role of this variant in disease conclusively. Therefore, this variant is classified as a Variant of Uncertain Significance.

This study involves interpretation of variants in research participants for the purpose of population health screening. Participant phenotype was not available at the time of variant classification. Additional details can be found in publication PMID: 35346344, PMCID: PMC8962531

NM_016203.4(PRKAG2):c.642G>C (p.Arg214Ser)

Gene: PRKAG2 (protein kinase AMP-activated non-catalytic subunit gamma 2; minus strand). Cytogenetic location: 7q36.1.
Variant type: single nucleotide variant.
Coding change: c.642G>C on transcript NM_016203.4 (MANE Select); coding-DNA position 642, G replaced by C.
Protein change: p.Arg214Ser; replaces arginine 214 with serine.
Molecular consequence: missense variant.
Genome position (GRCh38, 1-based): chr7:151,675,462, C>G on the plus strand (G>C on the coding strand, the complement: PRKAG2 is on the minus strand). VCF-style: chr7-151675462-C-G. GRCh37 (hg19) VCF-style: chr7-151372548-C-G.
Other names: c.510G>C, p.Arg170Ser (NM_001040633.2); c.270G>C, p.Arg90Ser (NM_001304527.2, NM_001363698.2); c.642G>C (NM_016203.3); short protein forms R170S, R214S, R90S.
Identifiers: ClinVar variation 1171847 (VCV001171847.12), dbSNP rs757556996, ClinGen allele CA057769.